The following is an entry in ClinVar:

ClinVar aggregate classification (germline): Pathogenic (1 of 4 stars; one submission).

Conditions:
Ataxia-telangiectasia syndrome (AT). Also called: LOUIS-BAR SYNDROME; Cerebello-oculocutaneous telangiectasia; Immunodeficiency with ataxia telangiectasia; AT, COMPLEMENTATION GROUP C; Ataxia-telangiectasia, complementation group D; ATAXIA-TELANGIECTASIA, COMPLEMENTATION GROUP A. Identifiers: Orphanet 100, MedGen C0004135, MONDO:0008840, OMIM 208900.

Submission:

Labcorp Genetics (formerly Invitae), Labcorp
Classification: Pathogenic for Ataxia-telangiectasia syndrome. Last evaluated: 2020-06-23. Review status: criteria provided, single submitter. Criteria: Invitae Variant Classification Sherloc (09022015). Collection method: clinical testing. Allele origin: unknown.
Comment: This variant results in the deletion of part of exon 3 and 4 (c.92_332-800del) of the ATM gene. It is expected to disrupt RNA splicing and likely results in an absent or disrupted protein product. This variant has not been reported in the literature in individuals with ATM-related conditions. This variant disrupts the substrate binding site of the ATM protein, which required for the DNA damage-induced association between ATM and its target proteins, including BRCA1,p53 (PMID: 15713674, 19781682). While functional studies have not been performed to directly test the effect of this variant on ATM protein function, this suggests that disruption of this region of the protein is causative of disease. Loss-of-function variants in ATM are known to be pathogenic (PMID: 23807571, 25614872). For these reasons, this variant has been classified as Pathogenic.

Literature cited by the submitters: PubMed 15713674; PubMed 19781682; PubMed 23807571; PubMed 25614872.

NC_000011.9:g.(?_108098522)_(108105597_?)del

Gene: ATM (ATM serine/threonine kinase; plus strand). Cytogenetic location: 11q22.3.
Variant type: Deletion.
Identifiers: ClinVar variation 3244512 (VCV003244512.1).